The following is an entry in ClinVar:

ClinVar aggregate classification (germline): Uncertain significance. Review status: criteria provided, multiple submitters, no conflicts (2 of 4 stars). 2 submissions from 2 submitters: Uncertain significance (2). Last evaluated 2025-06-18.

Conditions:
Hypertrophic cardiomyopathy. Also called: HYPERTROPHIC MYOCARDIOPATHY. Identifiers: Orphanet 217569, MedGen C0007194, MeSH D002312, MONDO:0005045, HP:0001639.

Submissions (2):

Labcorp Genetics (formerly Invitae), Labcorp
Classification: Uncertain significance for Hypertrophic cardiomyopathy. Last evaluated: 2025-06-18. Review status: criteria provided, single submitter. Criteria: Invitae Variant Classification Sherloc (09022015). Collection method: clinical testing. Allele origin: germline.
Comment: This sequence change creates a premature translational stop signal (p.Glu184Glyfs*14) in the TPM1 gene. It is expected to result in an absent or disrupted protein product. However, the current clinical and genetic evidence is not sufficient to establish whether loss-of-function variants in TPM1 cause disease. This variant is not present in population databases (gnomAD no frequency). This variant has not been reported in the literature in individuals affected with TPM1-related conditions. ClinVar contains an entry for this variant (Variation ID: 181680). In summary, the available evidence is currently insufficient to determine the role of this variant in disease. Therefore, it has been classified as a Variant of Uncertain Significance.

GeneDx
Classification: Uncertain significance. Last evaluated: 2012-12-11. Review status: criteria provided, single submitter. Criteria: GeneDx Variant Classification (06012015). Collection method: clinical testing. Allele origin: germline. Affected: yes.
Comment: The c.551delA variant in the TPM1 gene has not been reported to our knowledge. This variant causes a shift in reading frame starting at codon Glutamic Acid 184, changing it to a Glycine, and creating a premature stop codon at position 14 of the new reading frame, denoted p.Glu184GlyfsX14. This variant is expected to result in either an abnormal, truncated protein product or loss of protein from this allele through nonsense-mediated mRNA decay. The NHLBI ESP Exome Variant Server reports c.551delA was not observed in approximately 6,000 samples from individuals of European and African American backgrounds, indicating it is not a common benign variant in these populations. However, there have been no other frameshift or nonsense variants reported in association with cardiomyopathy in the TPM1 gene. A single splice-site variant (c.240+3A>G) has been reported, however this is expected to cause in-frame skipping of exon 2. Therefore, with the clinical and molecular information available at this time, we cannot definitively determine if c.551delA is a pathogenic variant or a rare benign variant.

NM_001018005.2(TPM1):c.551del (p.Glu184fs)

Gene: TPM1 (tropomyosin 1; plus strand). Cytogenetic location: 15q22.2.
Variant type: Deletion.
Coding change: c.551del on transcript NM_001018005.2 (MANE Select); coding-DNA position 551, one base deleted (A; older notation c.551delA).
Protein change: p.Glu184fs; shifts the reading frame from glutamic acid 184.
Molecular consequence: frameshift variant.
Genome position (GRCh38, 1-based): chr15:63,060,927, A deleted. VCF-style (leftmost placement, unchanged base first): chr15-63060926-GA-G. GRCh37 (hg19) VCF-style: chr15-63353125-GA-G.
Other names: c.551del, p.Glu184fs (NM_000366.6, NM_001018004.2, NM_001018006.2 and 6 more transcripts); c.443del, p.Glu148fs (NM_001018008.2, NM_001301289.2, NM_001330344.2 and 5 more transcripts); c.677del, p.Glu226fs (NM_001365778.1); short protein forms E184fs, E148fs, E226fs.
Identifiers: ClinVar variation 181680 (VCV000181680.4), dbSNP rs730881153, ClinGen allele CA019051.